The following is an entry in ClinVar:

ClinVar aggregate classification (germline): Benign. Review status: criteria provided, multiple submitters, no conflicts (2 of 4 stars). 2 submissions from 2 submitters: Benign (2). Last evaluated 2018-06-19.

Allele frequency attached by ClinVar (database versions not stated): 1000 Genomes Project 0.12101; 1000 Genomes Project 30x 0.12539; TOPMed 0.13183; gnomAD 0.13313 and 0.13442.
gnomAD v4.1: 163,085 of 1,175,056 alleles (14%); highest among the groups gnomAD compares: Admixed American, 14%; 11,449 homozygotes.

Submissions (2):

GeneDx
Classification: Benign. Last evaluated: 2018-06-19. Review status: criteria provided, single submitter. Criteria: GeneDx Variant Classification (06012015). Collection method: clinical testing. Allele origin: germline. Affected: yes.
Comment: This variant is considered likely benign or benign based on one or more of the following criteria: it is a conservative change, it occurs at a poorly conserved position in the protein, it is predicted to be benign by multiple in silico algorithms, and/or has population frequency not consistent with disease.

Breakthrough Genomics
Classification: Benign. Review status: criteria provided, single submitter. Criteria: ACMG Guidelines, 2015. Collection method: not provided. Allele origin: germline. Inheritance: Autosomal recessive inheritance. Affected: yes.

NM_003283.6(TNNT1):c.47-92C>G

Gene: TNNT1 (troponin T1, slow skeletal type; minus strand). Cytogenetic location: 19q13.42.
Variant type: single nucleotide variant.
Coding change: c.47-92C>G on transcript NM_003283.6 (MANE Select); 92 bases into the intron before coding-DNA position 47, C replaced by G.
Molecular consequence: intron variant.
Genome position (GRCh38, 1-based): chr19:55,146,799, G>C on the plus strand (C>G on the coding strand, the complement: TNNT1 is on the minus strand). VCF-style: chr19-55146799-G-C. GRCh37 (hg19) VCF-style: chr19-55658167-G-C.
Other names: c.47-92C>G (NM_001126133.3, NM_001126132.3, NM_001291774.2).
Identifiers: ClinVar variation 670751 (VCV000670751.2), dbSNP rs11550310, ClinGen allele CA15951059.